The following is an entry in ClinVar:

ClinVar aggregate classification (germline): Uncertain significance. Review status: criteria provided, multiple submitters, no conflicts (2 of 4 stars). 3 submissions from 3 submitters: Uncertain significance (3). Last evaluated 2025-04-10.

Conditions:
Inborn genetic diseases. Identifiers: MedGen C0950123, MeSH D030342.

Allele frequency attached by ClinVar (database versions not stated): ExAC 0.00001; gnomAD 0.00001; gnomAD exomes 0.00001; TOPMed 0.00002.
gnomAD v4.1: 15 of 1,612,224 alleles (0.00093%); highest among the groups gnomAD compares: East Asian, 0.0067%; no homozygotes.

Submissions (3):

Ambry Genetics
Classification: Uncertain significance for Inborn genetic diseases. Last evaluated: 2025-04-10. Review status: criteria provided, single submitter. Criteria: Ambry Variant Classification Scheme 2023. Collection method: clinical testing. Allele origin: germline.

Labcorp Genetics (formerly Invitae), Labcorp
Classification: Uncertain significance. Last evaluated: 2025-01-27. Review status: criteria provided, single submitter. Criteria: Invitae Variant Classification Sherloc (09022015). Collection method: clinical testing. Allele origin: germline.
Comment: This sequence change replaces arginine, which is basic and polar, with histidine, which is basic and polar, at codon 629 of the CLCN2 protein (p.Arg629His). This variant is present in population databases (rs750254987, gnomAD 0.01%). This variant has not been reported in the literature in individuals affected with CLCN2-related conditions. ClinVar contains an entry for this variant (Variation ID: 2146973). Invitae Evidence Modeling of protein sequence and biophysical properties (such as structural, functional, and spatial information, amino acid conservation, physicochemical variation, residue mobility, and thermodynamic stability) indicates that this missense variant is not expected to disrupt CLCN2 protein function with a negative predictive value of 80%. In summary, the available evidence is currently insufficient to determine the role of this variant in disease. Therefore, it has been classified as a Variant of Uncertain Significance.

GeneDx
Classification: Uncertain significance. Last evaluated: 2023-06-17. Review status: criteria provided, single submitter. Criteria: GeneDx Variant Classification Process June 2021. Collection method: clinical testing. Allele origin: germline. Affected: yes.
Comment: In silico analysis supports that this missense variant has a deleterious effect on protein structure/function; Has not been previously published as pathogenic or benign to our knowledge

NM_004366.6(CLCN2):c.1886G>A (p.Arg629His)

Gene: CLCN2 (chloride voltage-gated channel 2; minus strand). Cytogenetic location: 3q27.1.
Variant type: single nucleotide variant.
Coding change: c.1886G>A on transcript NM_004366.6 (MANE Select); coding-DNA position 1886, G replaced by A.
Protein change: p.Arg629His; replaces arginine 629 with histidine.
Molecular consequence: missense variant.
Genome position (GRCh38, 1-based): chr3:184,353,392, C>T on the plus strand (G>A on the coding strand, the complement: CLCN2 is on the minus strand). VCF-style: chr3-184353392-C-T. GRCh37 (hg19) VCF-style: chr3-184071180-C-T.
Other names: c.1886G>A (NM_004366.4); c.1835G>A, p.Arg612His (NM_001171087.3); c.1754G>A, p.Arg585His (NM_001171088.3); c.1886G>A, p.Arg629His (NM_001171089.3); short protein forms R612H, R585H, R629H.
Identifiers: ClinVar variation 2146973 (VCV002146973.6), dbSNP rs750254987, ClinGen allele CA2733942.